The following is an entry in ClinVar:

ClinVar aggregate classification (germline): Uncertain significance (1 of 4 stars; one submission).

Allele frequency attached by ClinVar (database versions not stated): gnomAD exomes below 0.00001; TOPMed below 0.00001.
gnomAD v4.1: 2 of 1,613,968 alleles (0.00012%); highest among the groups gnomAD compares: Non-Finnish European, 0.00017%; no homozygotes.

Submission:

Labcorp Genetics (formerly Invitae), Labcorp
Classification: Uncertain significance. Last evaluated: 2020-10-27. Review status: criteria provided, single submitter. Criteria: Invitae Variant Classification Sherloc (09022015). Collection method: clinical testing. Allele origin: germline.
Comment: This sequence change replaces arginine with cysteine at codon 240 of the EIF2AK3 protein (p.Arg240Cys). The arginine residue is highly conserved and there is a large physicochemical difference between arginine and cysteine. This variant is not present in population databases (ExAC no frequency). This variant has not been reported in the literature in individuals with EIF2AK3-related conditions. Algorithms developed to predict the effect of missense changes on protein structure and function (SIFT, PolyPhen-2, Align-GVGD) all suggest that this variant is likely to be disruptive, but these predictions have not been confirmed by published functional studies and their clinical significance is uncertain. In summary, the available evidence is currently insufficient to determine the role of this variant in disease. Therefore, it has been classified as a Variant of Uncertain Significance.

NM_004836.7(EIF2AK3):c.718C>T (p.Arg240Cys)

Gene: EIF2AK3 (eukaryotic translation initiation factor 2 alpha kinase 3; minus strand). Cytogenetic location: 2p11.2.
Variant type: single nucleotide variant.
Coding change: c.718C>T on transcript NM_004836.7 (MANE Select); coding-DNA position 718, C replaced by T.
Protein change: p.Arg240Cys; replaces arginine 240 with cysteine.
Molecular consequence: missense variant.
Genome position (GRCh38, 1-based): chr2:88,593,321, G>A on the plus strand (C>T on the coding strand, the complement: EIF2AK3 is on the minus strand). VCF-style: chr2-88593321-G-A. GRCh37 (hg19) VCF-style: chr2-88892839-G-A.
Other names: c.265C>T, p.Arg89Cys (NM_001313915.2); short protein forms R240C, R89C.
Identifiers: ClinVar variation 1493899 (VCV001493899.8), dbSNP rs1674931124, ClinGen allele CA347596375.